The following is an entry in ClinVar:

ClinVar aggregate classification (germline): Conflicting classifications of pathogenicity. Review status: criteria provided, conflicting classifications (1 of 4 stars). 2 submissions from 2 submitters: Likely pathogenic (1); Uncertain significance (1). Last evaluated 2026-09-30.

Conditions:
Transient bullous dermolysis of the newborn (TBDN). Also called: EPIDERMOLYSIS BULLOSA DYSTROPHICA, NEONATAL FORM; DYSTROPHIC EPIDERMOLYSIS BULLOSA, NEONATAL. Identifiers: Orphanet 79411, MedGen C1851573, MONDO:0007548, OMIM 131705.

Allele frequency attached by ClinVar (database versions not stated): TOPMed below 0.00001; ESP Exome Variant Server 0.00008.

Submissions (2):

Clinical Genetics Laboratory, Skane University Hospital Lund
Classification: Likely pathogenic for Transient bullous dermolysis of the newborn. Last evaluated: 2026-09-30. Review status: criteria provided, single submitter. Criteria: ACMG Guidelines, 2015. Collection method: clinical testing. Allele origin: germline. Inheritance: Autosomal recessive inheritance. Affected: yes.
Comment: ACMG-criteria: PM2, PP1, PP3 and PP4_Strong.

Labcorp Genetics (formerly Invitae), Labcorp
Classification: Uncertain significance. Last evaluated: 2022-11-10. Review status: criteria provided, single submitter. Criteria: Invitae Variant Classification Sherloc (09022015). Collection method: clinical testing. Allele origin: germline.
Comment: In summary, the available evidence is currently insufficient to determine the role of this variant in disease. Therefore, it has been classified as a Variant of Uncertain Significance. Algorithms developed to predict the effect of sequence changes on RNA splicing suggest that this variant may disrupt the consensus splice site. This variant has not been reported in the literature in individuals affected with COL7A1-related conditions. This variant is not present in population databases (gnomAD no frequency). This sequence change falls in intron 40 of the COL7A1 gene. It does not directly change the encoded amino acid sequence of the COL7A1 protein.

NM_000094.4(COL7A1):c.4402-16A>G

Gene: COL7A1 (collagen type VII alpha 1 chain; minus strand). Cytogenetic location: 3p21.31.
Variant type: single nucleotide variant.
Coding change: c.4402-16A>G on transcript NM_000094.4 (MANE Select); 16 bases into the intron before coding-DNA position 4402, A replaced by G.
Molecular consequence: intron variant.
Genome position (GRCh38, 1-based): chr3:48,583,444, T>C on the plus strand (A>G on the coding strand, the complement: COL7A1 is on the minus strand). VCF-style: chr3-48583444-T-C. GRCh37 (hg19) VCF-style: chr3-48620877-T-C.
Identifiers: ClinVar variation 2895320 (VCV002895320.4), dbSNP rs376555042, ClinGen allele CA73980653.
Genomic context (GRCh38, chr3:48,583,444, plus strand): 5'-GGTACTCACTTTGGGGCCAATAGCTCCAGGAGGTCCCCGTGGGCCCTGGAAGGGATGAAT[T>C]TGGGGGTTCAGAGATTTGGGTTTGGGCATGAGGATGGAGCAGTGGTTGATGATTGAGGTA-3'